The following is an entry in ClinVar:

NM_006506.5(RASA2):c.1169+5G>C

Gene: RASA2 (RAS p21 protein activator 2; plus strand). Cytogenetic location: 3q23.
Variant type: single nucleotide variant.
Coding change: c.1169+5G>C on transcript NM_006506.5 (MANE Select); 5 bases into the intron after coding-DNA position 1169, G replaced by C.
Molecular consequence: intron variant.
Genome position (GRCh38, 1-based): chr3:141,571,559, G>C. VCF-style: chr3-141571559-G-C. GRCh37 (hg19) VCF-style: chr3-141290401-G-C.
Other names: c.1169+5G>C (NM_001303245.3, NM_001303246.3).
Identifiers: ClinVar variation 4804273 (VCV004804273.1).

ClinVar aggregate classification (germline): Uncertain significance (1 of 4 stars; one submission).

Submission:

Labcorp Genetics (formerly Invitae), Labcorp
Classification: Uncertain significance. Last evaluated: 2025-03-26. Review status: criteria provided, single submitter. Criteria: Invitae Variant Classification Sherloc (09022015). Collection method: clinical testing. Allele origin: germline.
Comment: This sequence change falls in intron 11 of the RASA2 gene. It does not directly change the encoded amino acid sequence of the RASA2 protein. It affects a nucleotide within the consensus splice site. This variant is not present in population databases (gnomAD no frequency). This variant has not been reported in the literature in individuals affected with RASA2-related conditions. Variants that disrupt the consensus splice site are a relatively common cause of aberrant splicing (PMID: 17576681, 9536098). Algorithms developed to predict the effect of sequence changes on RNA splicing suggest that this variant may disrupt the consensus splice site. In summary, the available evidence is currently insufficient to determine the role of this variant in disease. Therefore, it has been classified as a Variant of Uncertain Significance.

Literature cited by the submitters: PubMed 17576681; PubMed 9536098.